The following is an entry in ClinVar:

ClinVar aggregate classification (germline): Benign/Likely benign. Review status: criteria provided, multiple submitters, no conflicts (2 of 4 stars). 14 submissions from 12 submitters: Benign (10); Likely benign (1). 3 of the submissions do not count toward it. Last evaluated 2026-02-04.

Conditions:
Paroxysmal extreme pain disorder (PEXPD). Also called: SCN9A Paroxysmal Extreme Pain Disorder (SCN9A-PEPD); PAIN, SUBMANDIBULAR, OCULAR, AND RECTAL, WITH FLUSHING; RECTAL PAIN, FAMILIAL. Identifiers: Orphanet 46348, MedGen C1833661, MONDO:0008179, OMIM 167400.
Channelopathy-associated congenital insensitivity to pain, autosomal recessive. Also called: Insensitivity to pain, channelopathy-associated; ASYMBOLIA FOR PAIN; CONGENITAL ANALGESIA, AUTOSOMAL RECESSIVE. Identifiers: Orphanet 88642, Orphanet 970, MedGen C1855739, MONDO:0009459, OMIM 243000.
Primary erythromelalgia. Also called: SCN9A Erythromelalgia (SCN9A-EM); primary erythermalgia. Identifiers: Orphanet 306577, Orphanet 90026, MedGen C0014805, MONDO:0007571, OMIM 133020.
Neuropathy, hereditary sensory and autonomic, type 2A (HSAN2A). Also called: WNK1-Related HSAN2 (HSAN2A); HSAN IIA; MORVAN DISEASE; NEUROPATHY, CONGENITAL SENSORY; NEUROPATHY, HEREDITARY SENSORY RADICULAR, AUTOSOMAL RECESSIVE; NEUROPATHY, HEREDITARY SENSORY, TYPE IIA. Identifiers: Orphanet 970, MedGen C2752089, MONDO:0024309, OMIM 201300.
Generalized epilepsy with febrile seizures plus, type 7 (GEFSP7). Also called: GEFS+, TYPE 7. Identifiers: Orphanet 36387, MedGen C2751778, MONDO:0013470, OMIM 613863.

Allele frequency attached by ClinVar (database versions not stated): 1000 Genomes Project 0.03215; 1000 Genomes Project 30x 0.03217; TOPMed 0.06255; gnomAD exomes 0.06519; gnomAD 0.06537 and 0.06754; ESP Exome Variant Server 0.07369; ExAC 0.07370.
gnomAD v4.1: 121,816 of 1,558,058 alleles (7.8%); highest among the groups gnomAD compares: Non-Finnish European, 8.9%; 5,283 homozygotes.

Submissions (14):

Labcorp Genetics (formerly Invitae), Labcorp
Classification: Benign for Neuropathy, hereditary sensory and autonomic, type 2A; Generalized epilepsy with febrile seizures plus, type 7. Last evaluated: 2026-02-04. Review status: criteria provided, single submitter. Criteria: Invitae Variant Classification Sherloc (09022015). Collection method: clinical testing. Allele origin: germline.

Blueprint Genetics
Classification: Likely benign. Last evaluated: 2024-11-26. Review status: criteria provided, single submitter. Criteria: ACMG Guidelines, 2015. Collection method: clinical testing. Allele origin: germline.

Athena Diagnostics
Classification: Benign. Last evaluated: 2018-05-04. Review status: criteria provided, single submitter. Criteria: Athena Diagnostics Criteria. Collection method: clinical testing. Allele origin: germline.

Illumina Laboratory Services, Illumina
Classification: Benign for Channelopathy-associated congenital insensitivity to pain, autosomal recessive. Last evaluated: 2018-01-13. Review status: criteria provided, single submitter. Criteria: ICSL Variant Classification Criteria 13 December 2019. Collection method: clinical testing. Allele origin: germline.
Comment: This variant was observed in the ICSL laboratory as part of a predisposition screen in an ostensibly healthy population. It had not been previously curated by ICSL or reported in the Human Gene Mutation Database (HGMD: prior to June 1st, 2018), and was therefore a candidate for classification through an automated scoring system. Utilizing variant allele frequency, disease prevalence and penetrance estimates, and inheritance mode, an automated score was calculated to assess if this variant is too frequent to cause the disease. Based on the score and internal cut-off values, a variant classified as benign is not then subjected to further curation. The score for this variant resulted in a classification of benign for this disease.

Illumina Laboratory Services, Illumina
Classification: Benign for Primary erythromelalgia. Last evaluated: 2018-01-13. Review status: criteria provided, single submitter. Criteria: ICSL Variant Classification Criteria 13 December 2019. Collection method: clinical testing. Allele origin: germline.
Comment: the same text as in the submission from Illumina Laboratory Services, Illumina above.

Illumina Laboratory Services, Illumina
Classification: Benign for Paroxysmal extreme pain disorder. Last evaluated: 2018-01-13. Review status: criteria provided, single submitter. Criteria: ICSL Variant Classification Criteria 13 December 2019. Collection method: clinical testing. Allele origin: germline.
Comment: the same text as in the submission from Illumina Laboratory Services, Illumina above.

Mayo Clinic Laboratories, Mayo Clinic
Classification: Benign. Last evaluated: 2016-04-12. Review status: criteria provided, single submitter. Criteria: ACMG Guidelines, 2015. Collection method: clinical testing. Allele origin: germline. Observed: 303 variant alleles.

GeneDx
Classification: Benign. Last evaluated: 2015-03-03. Review status: criteria provided, single submitter. Criteria: GeneDx Variant Classification Process June 2021. Collection method: clinical testing. Allele origin: germline. Affected: yes.

Eurofins Ntd Llc (ga)
Classification: Benign. Last evaluated: 2014-04-04. Review status: criteria provided, single submitter. Criteria: EGL Classification Definitions 2015. Collection method: clinical testing. Allele origin: germline. Observed: 1 variant allele, 1 heterozygote.

Breakthrough Genomics
Classification: Benign. Review status: criteria provided, single submitter. Criteria: ACMG Guidelines, 2015. Collection method: not provided. Allele origin: germline. Inheritance: Autosomal recessive inheritance. Affected: yes.

PreventionGenetics, part of Exact Sciences
Classification: Benign. Review status: criteria provided, single submitter. Criteria: ACMG Guidelines, 2015. Collection method: clinical testing. Allele origin: germline.

Clinical Genetics, Academic Medical Center
Classification: Benign. Review status: no assertion criteria provided. Collection method: clinical testing. Allele origin: germline. Affected: yes. Study: VKGL Data-share Consensus. Not counted in ClinVar's aggregate classification.

Genetic Services Laboratory, University of Chicago
Classification: Likely benign for AllHighlyPenetrant. Review status: no assertion criteria provided. Collection method: clinical testing. Allele origin: germline. Inheritance: Autosomal dominant inheritance. Not counted in ClinVar's aggregate classification.
Comment: Likely benign based on allele frequency in 1000 Genomes Project or ESP global frequency and its presence in a patient with a rare or unrelated disease phenotype. NOT Sanger confirmed.

Genome Diagnostics Laboratory, University Medical Center Utrecht
Classification: Benign. Review status: no assertion criteria provided. Collection method: clinical testing. Allele origin: germline. Affected: yes. Study: VKGL Data-share Consensus. Not counted in ClinVar's aggregate classification.

NM_001365536.1(SCN9A):c.3802-4A>G

Genes: SCN1A-AS1 (SCN1A and SCN9A antisense RNA 1; plus strand), SCN9A (sodium voltage-gated channel alpha subunit 9; minus strand). Cytogenetic location: 2q24.3.
Variant type: single nucleotide variant.
Coding change: c.3802-4A>G on transcript NM_001365536.1 (MANE Select); 4 bases into the intron before coding-DNA position 3802, A replaced by G.
Molecular consequence: intron variant.
Genome position (GRCh38, 1-based): chr2:166,233,466, T>C on the plus strand (A>G on the coding strand, the complement: SCN9A is on the minus strand). VCF-style: chr2-166233466-T-C. GRCh37 (hg19) VCF-style: chr2-167089976-T-C.
Other names: p.?; c.3769-4A>G (NM_002977.4).
Identifiers: ClinVar variation 130266 (VCV000130266.28), dbSNP rs75230218, ClinGen allele CA155131.
Genomic context (GRCh38, chr2:166,233,466, plus strand): 5'-AATGGGGCCAAGATCTGAGTAGCCAAGAGTGTTTGCCACTAAAGTAACCAAAGAAACCTA[T>C]AAAAATAACATTTTCATTAATTGTGTCAATAAAATGATGAAGCATAAAAGGAAAAAGTCA-3'